The following is an entry in ClinVar:

ClinVar aggregate classification (germline): Benign. Review status: criteria provided, multiple submitters, no conflicts (2 of 4 stars). 3 submissions from 3 submitters: Benign (2). 1 of the submissions does not count toward it. Last evaluated 2019-12-31.

Conditions:
MYO16-related disorder. Also called: MYO16-related condition.

Allele frequency attached by ClinVar (database versions not stated): gnomAD exomes 0.00072; ESP Exome Variant Server 0.00160; 1000 Genomes Project 0.00280; gnomAD 0.00355 and 0.00382; ExAC 0.00399; TOPMed 0.00409.
gnomAD v4.1: 911 of 1,463,962 alleles (0.062%); highest among the groups gnomAD compares: African/African-American, 1.2%; 3 homozygotes.

Submissions (3):

Labcorp Genetics (formerly Invitae), Labcorp
Classification: Benign. Last evaluated: 2019-12-31. Review status: criteria provided, single submitter. Criteria: Invitae Variant Classification Sherloc (09022015). Collection method: clinical testing. Allele origin: germline.

Breakthrough Genomics
Classification: Benign. Review status: criteria provided, single submitter. Criteria: ACMG Guidelines, 2015. Collection method: not provided. Allele origin: germline. Inheritance: Unknown mechanism. Affected: yes.

PreventionGenetics, part of Exact Sciences
Classification: Benign for MYO16-related condition. Last evaluated: 2019-05-01. Review status: no assertion criteria provided. Collection method: clinical testing. Allele origin: germline. Not counted in ClinVar's aggregate classification.
Comment: This variant is classified as benign based on ACMG/AMP sequence variant interpretation guidelines (Richards et al. 2015 PMID: 25741868, with internal and published modifications).

NM_001198950.3(MYO16):c.4869G>C (p.Pro1623=)

Gene: MYO16 (myosin XVI; plus strand). Cytogenetic location: 13q33.3.
Variant type: single nucleotide variant.
Coding change: c.4869G>C on transcript NM_001198950.3 (MANE Select); coding-DNA position 4869, G replaced by C.
Protein change: p.Pro1623=; no amino-acid change (proline 1623 retained).
Molecular consequence: synonymous variant.
Genome position (GRCh38, 1-based): chr13:109,141,081, G>C. VCF-style: chr13-109141081-G-C. GRCh37 (hg19) VCF-style: chr13-109793429-G-C.
Other names: c.4803G>C, p.Pro1601= (NM_015011.3).
Identifiers: ClinVar variation 708953 (VCV000708953.7), dbSNP rs201711885, ClinGen allele CA7045790.